The following is an entry in ClinVar:

ClinVar aggregate classification (germline): Pathogenic/Likely pathogenic. Review status: criteria provided, multiple submitters, no conflicts (2 of 4 stars). 2 submissions from 2 submitters: Pathogenic (1); Likely pathogenic (1). Last evaluated 2026-01-20.

Conditions:
ABCA4-related disorder. Also called: ABCA4-related condition; ABCA4-related disorders. Identifiers: MedGen CN239167.

Submissions (2):

Labcorp Genetics (formerly Invitae), Labcorp
Classification: Pathogenic. Last evaluated: 2026-01-20. Review status: criteria provided, single submitter. Criteria: Invitae Variant Classification Sherloc (09022015). Collection method: clinical testing. Allele origin: germline.
Comment: This sequence change replaces aspartic acid, which is acidic and polar, with glutamic acid, which is acidic and polar, at codon 1093 of the ABCA4 protein (p.Asp1093Glu). This variant is not present in population databases (gnomAD no frequency). This missense change has been observed in individuals with ABCA4-related conditions (PMID: 21911583, 30060493). ClinVar contains an entry for this variant (Variation ID: 866345). Invitae Evidence Modeling of protein sequence and biophysical properties (such as structural, functional, and spatial information, amino acid conservation, physicochemical variation, residue mobility, and thermodynamic stability) indicates that this missense variant is expected to disrupt ABCA4 protein function with a positive predictive value of 95%. This variant disrupts the p.Asp1093 amino acid residue in ABCA4. Other variant(s) that disrupt this residue have been determined to be pathogenic (PMID: 32619608, 35119454). This suggests that this residue is clinically significant, and that variants that disrupt this residue are likely to be disease-causing. For these reasons, this variant has been classified as Pathogenic.

Blueprint Genetics
Classification: Likely pathogenic for ABCA4-related disorders. Last evaluated: 2019-04-30. Review status: criteria provided, single submitter. Criteria: ACMG Guidelines, 2015. Collection method: clinical testing. Allele origin: germline. Affected: yes. Observed: 1 variant allele.

Literature cited by the submitters: PubMed 21911583 (cited by Labcorp Genetics (formerly Invitae), Labcorp); PubMed 30060493 (cited by Labcorp Genetics (formerly Invitae), Labcorp); PubMed 32619608 (cited by Labcorp Genetics (formerly Invitae), Labcorp); PubMed 35119454 (cited by Labcorp Genetics (formerly Invitae), Labcorp).

NM_000350.3(ABCA4):c.3279C>A (p.Asp1093Glu)

Gene: ABCA4 (ATP binding cassette subfamily A member 4; minus strand). Cytogenetic location: 1p22.1.
Variant type: single nucleotide variant.
Coding change: c.3279C>A on transcript NM_000350.3 (MANE Select); coding-DNA position 3279, C replaced by A.
Protein change: p.Asp1093Glu; replaces aspartic acid 1093 with glutamic acid.
Molecular consequence: missense variant.
Genome position (GRCh38, 1-based): chr1:94,042,810, G>T on the plus strand (C>A on the coding strand, the complement: ABCA4 is on the minus strand). VCF-style: chr1-94042810-G-T. GRCh37 (hg19) VCF-style: chr1-94508366-G-T.
Other names: c.3057C>A, p.Asp1019Glu (NM_001425324.1); short protein forms D1093E, D1019E.
Identifiers: ClinVar variation 866345 (VCV000866345.3), dbSNP rs1237125868, ClinGen allele CA341292086.